The following is an entry in ClinVar:

NM_024923.4(NUP210):c.437-3T>C

Gene: NUP210 (nucleoporin 210; minus strand). Cytogenetic location: 3p25.1.
Variant type: single nucleotide variant.
Coding change: c.437-3T>C on transcript NM_024923.4 (MANE Select); 3 bases into the intron before coding-DNA position 437, T replaced by C.
Molecular consequence: intron variant.
Genome position (GRCh38, 1-based): chr3:13,391,310, A>G on the plus strand (T>C on the coding strand, the complement: NUP210 is on the minus strand). VCF-style: chr3-13391310-A-G. GRCh37 (hg19) VCF-style: chr3-13432810-A-G.
Identifiers: ClinVar variation 2653574 (VCV002653574.24), dbSNP rs113930725, ClinGen allele CA2264508.
Genomic context (GRCh38, chr3:13,391,310, plus strand): 5'-GAGTCCTTCACAATCGTCCACTCGAAGACCAGTCCAGCCAGAGTGCTGAAGGTGTTCCCT[A>G]TAAGAGCAGATGGGAGAGGCAGACAGATATGGAGTTAATTTCCCAGGGTGGAGGGAGGCG-3'

ClinVar aggregate classification (germline): Likely benign (1 of 4 stars; one submission).

Allele frequency attached by ClinVar (database versions not stated): gnomAD exomes 0.00019; ExAC 0.00078; 1000 Genomes Project 0.00100; ESP Exome Variant Server 0.00146; gnomAD 0.00146; 1000 Genomes Project 30x 0.00156.
gnomAD v4.1: 505 of 1,594,124 alleles (0.032%); highest among the groups gnomAD compares: African/African-American, 0.49%; no homozygotes.

Submission:

CeGaT Center for Human Genetics Tuebingen
Classification: Likely benign. Last evaluated: 2022-12-01. Review status: criteria provided, single submitter. Criteria: CeGaT Center For Human Genetics Tuebingen Variant Classification Criteria Version 2. Collection method: clinical testing. Allele origin: germline. Affected: yes. Observed: 1 variant allele.
Comment: NUP210: BP4, BS2